The following is an entry in ClinVar:

NM_001177316.2(SLC34A3):c.560+32C>G

Gene: SLC34A3 (solute carrier family 34 member 3; plus strand). Cytogenetic location: 9q34.3.
Variant type: single nucleotide variant.
Coding change: c.560+32C>G on transcript NM_001177316.2 (MANE Select); 32 bases into the intron after coding-DNA position 560, C replaced by G.
Molecular consequence: intron variant.
Genome position (GRCh38, 1-based): chr9:137,233,147, C>G. VCF-style: chr9-137233147-C-G. GRCh37 (hg19) VCF-style: chr9-140127599-C-G.
Other names: c.560+32C>G (NM_001177317.2, NM_080877.3).
Identifiers: ClinVar variation 4978824 (VCV004978824.1).

ClinVar aggregate classification (germline): Likely benign (1 of 4 stars; one submission).

Conditions:
SLC34A3-related disorder. Also called: SLC34A3-related condition.

gnomAD v4.1: 1 of 1,472,094 alleles (0.000068%); highest among the groups gnomAD compares: African/African-American, 0.0014%; no homozygotes.

Submission:

PreventionGenetics, part of Exact Sciences
Classification: Likely benign for SLC34A3-related condition. Last evaluated: 2024-12-03. Review status: criteria provided, single submitter. Criteria: ACMG Guidelines, 2015. Collection method: clinical testing. Allele origin: germline.
Comment: This variant is classified as likely benign based on ACMG/AMP sequence variant interpretation guidelines (Richards et al. 2015 PMID: 25741868, with internal and published modifications).